The following is an entry in ClinVar:

NM_001256007.3(PNPLA8):c.1057A>G (p.Ile353Val)

Gene: PNPLA8 (patatin like domain 8, phospholipase A2; minus strand). Cytogenetic location: 7q31.1.
Variant type: single nucleotide variant.
Coding change: c.1057A>G on transcript NM_001256007.3 (MANE Select); coding-DNA position 1057, A replaced by G.
Protein change: p.Ile353Val; replaces isoleucine 353 with valine.
Molecular consequence: missense variant.
Genome position (GRCh38, 1-based): chr7:108,514,293, T>C on the plus strand (A>G on the coding strand, the complement: PNPLA8 is on the minus strand). VCF-style: chr7-108514293-T-C. GRCh37 (hg19) VCF-style: chr7-108154737-T-C.
Other names: c.1057A>G, p.Ile353Val (NM_001256008.3, NM_001256009.3, NM_015723.5); c.757A>G, p.Ile253Val (NM_001256010.3, NM_001256011.3); c.1057A>G (NM_015723.2); short protein forms I253V, I353V.
Identifiers: ClinVar variation 2169417 (VCV002169417.2), dbSNP rs150283409, ClinGen allele CA4439677.
Genomic context (GRCh38, chr7:108,514,293, plus strand): 5'-TTCTTCTTAATGCCTGAACTAATGCCCGGGTCCTGTTATCAATACTCACCCTTGCGATAA[T>C]CTACAAAGACATATTAAATAGATATGATTAGAATACAAAACTGCTCTAAAGAACAATGAA-3'
Protein context (NP_001242936.1, residues 343-363): KKRLSLQREK[Ile353Val]IARVSIDNRT

ClinVar aggregate classification (germline): Uncertain significance. Review status: criteria provided, multiple submitters, no conflicts (2 of 4 stars). 2 submissions from 2 submitters: Uncertain significance (2). Last evaluated 2022-11-03.

Conditions:
Inborn genetic diseases. Identifiers: MedGen C0950123, MeSH D030342.

Allele frequency attached by ClinVar (database versions not stated): gnomAD exomes 0.00001; ExAC 0.00007; 1000 Genomes Project 0.00020; gnomAD 0.00022; ESP Exome Variant Server 0.00023; TOPMed 0.00026; 1000 Genomes Project 30x 0.00031.
gnomAD v4.1: 51 of 1,607,596 alleles (0.0032%); highest among the groups gnomAD compares: African/African-American, 0.058%; no homozygotes.

Submissions (2):

Ambry Genetics
Classification: Uncertain significance for Inborn genetic diseases. Last evaluated: 2022-11-03. Review status: criteria provided, single submitter. Criteria: Ambry Variant Classification Scheme 2023. Collection method: clinical testing. Allele origin: germline.

Labcorp Genetics (formerly Invitae), Labcorp
Classification: Uncertain significance. Last evaluated: 2022-03-11. Review status: criteria provided, single submitter. Criteria: Invitae Variant Classification Sherloc (09022015). Collection method: clinical testing. Allele origin: germline.
Comment: This sequence change replaces isoleucine, which is neutral and non-polar, with valine, which is neutral and non-polar, at codon 353 of the PNPLA8 protein (p.Ile353Val). This variant is present in population databases (rs150283409, gnomAD 0.07%). This variant has not been reported in the literature in individuals affected with PNPLA8-related conditions. Algorithms developed to predict the effect of missense changes on protein structure and function (SIFT, PolyPhen-2, Align-GVGD) all suggest that this variant is likely to be tolerated. Algorithms developed to predict the effect of sequence changes on RNA splicing suggest that this variant is not likely to affect RNA splicing. In summary, the available evidence is currently insufficient to determine the role of this variant in disease. Therefore, it has been classified as a Variant of Uncertain Significance.